The following is an entry in ClinVar:

ClinVar aggregate classification (germline): Uncertain significance. Review status: criteria provided, multiple submitters, no conflicts (2 of 4 stars). 3 submissions from 3 submitters: Uncertain significance (3). Last evaluated 2021-08-24.

Conditions:
Neuromuscular disease caused by qualitative or quantitative defects of dysferlin. Also called: Dysferlinopathy; Qualitative or quantitative defects of dysferlin. Identifiers: Orphanet 207073, MedGen C2931687, MONDO:0016145.

Allele frequency attached by ClinVar (database versions not stated): gnomAD exomes below 0.00001; ExAC 0.00001.
gnomAD v4.1: 2 of 1,614,196 alleles (0.00012%); highest among the groups gnomAD compares: East Asian, 0.0022%; no homozygotes.

Submissions (3):

Labcorp Genetics (formerly Invitae), Labcorp
Classification: Uncertain significance for Neuromuscular disease caused by qualitative or quantitative defects of dysferlin. Last evaluated: 2021-08-24. Review status: criteria provided, single submitter. Criteria: Invitae Variant Classification Sherloc (09022015). Collection method: clinical testing. Allele origin: germline.
Comment: This sequence change replaces asparagine with lysine at codon 258 of the DYSF protein (p.Asn258Lys). The asparagine residue is moderately conserved and there is a moderate physicochemical difference between asparagine and lysine. This variant is present in population databases (rs766315212, ExAC 0.001%). This missense change has been observed in individual(s) with clinical features of limb-girdle muscular dystrophy (PMID: 30564623). ClinVar contains an entry for this variant (Variation ID: 288648). Advanced modeling of protein sequence and biophysical properties (such as structural, functional, and spatial information, amino acid conservation, physicochemical variation, residue mobility, and thermodynamic stability) performed at Invitae indicates that this missense variant is not expected to disrupt DYSF protein function. In summary, the available evidence is currently insufficient to determine the role of this variant in disease. Therefore, it has been classified as a Variant of Uncertain Significance.

Revvity Omics, Revvity
Classification: Uncertain significance. Last evaluated: 2019-05-11. Review status: criteria provided, single submitter. Criteria: ACMG Guidelines, 2015. Collection method: clinical testing. Allele origin: germline.

Eurofins Ntd Llc (ga)
Classification: Uncertain significance. Last evaluated: 2016-06-09. Review status: criteria provided, single submitter. Criteria: EGL Classification Definitions 2015. Collection method: clinical testing. Allele origin: germline. Observed: 2 variant alleles, 2 heterozygotes.

Literature cited by the submitters: PubMed 30564623 (cited by Labcorp Genetics (formerly Invitae), Labcorp).

NM_001130987.2(DYSF):c.870C>G (p.Asn290Lys)

Gene: DYSF (dysferlin; plus strand). Cytogenetic location: 2p13.2.
Variant type: single nucleotide variant.
Coding change: c.870C>G on transcript NM_001130987.2 (MANE Select); coding-DNA position 870, C replaced by G.
Protein change: p.Asn290Lys; replaces asparagine 290 with lysine.
Molecular consequence: missense variant.
Genome position (GRCh38, 1-based): chr2:71,515,733, C>G. VCF-style: chr2-71515733-C-G. GRCh37 (hg19) VCF-style: chr2-71742863-C-G.
Other names: c.777C>G, p.Asn259Lys (NM_001130455.2, NM_001130983.2, NM_001130984.2 and 1 more transcripts); c.774C>G, p.Asn258Lys (NM_001130976.2, NM_001130977.2, NM_001130978.2 and 1 more transcripts); c.867C>G, p.Asn289Lys (NM_001130979.2, NM_001130980.2, NM_001130981.2); c.870C>G, p.Asn290Lys (NM_001130982.2, NM_001130985.2); short protein forms N258K, N290K, N259K, N289K.
Identifiers: ClinVar variation 288648 (VCV000288648.14), dbSNP rs766315212, ClinGen allele CA1705484.